The following is an entry in ClinVar:

ClinVar aggregate classification (germline): Uncertain significance (1 of 4 stars; one submission).

gnomAD v4.1: 2 of 1,169,566 alleles (0.00017%); highest among the groups gnomAD compares: South Asian, 0.0042%; no homozygotes.

Submission:

GeneDx
Classification: Uncertain significance. Last evaluated: 2024-03-20. Review status: criteria provided, single submitter. Criteria: GeneDx Variant Classification Process June 2021. Collection method: clinical testing. Allele origin: germline. Affected: yes.
Comment: Not observed at significant frequency in large population cohorts (gnomAD); In silico analysis supports that this missense variant does not alter protein structure/function; Has not been previously published as pathogenic or benign to our knowledge

NM_005257.6(GATA6):c.770C>A (p.Ala257Glu)

Gene: GATA6 (GATA binding protein 6; plus strand). Cytogenetic location: 18q11.2.
Variant type: single nucleotide variant.
Coding change: c.770C>A on transcript NM_005257.6 (MANE Select); coding-DNA position 770, C replaced by A.
Protein change: p.Ala257Glu; replaces alanine 257 with glutamic acid.
Molecular consequence: missense variant.
Genome position (GRCh38, 1-based): chr18:22,171,914, C>A. VCF-style: chr18-22171914-C-A. GRCh37 (hg19) VCF-style: chr18-19751875-C-A.
Other names: short protein forms A257E.
Identifiers: ClinVar variation 3371120 (VCV003371120.1).
Genomic context (GRCh38, chr18:22,171,914, plus strand): 5'-GCGGAGGCGGCGCGGCTGGCGGCGGGGCCGCGGGGCCTGGCGGCGCTGGCTCAGCCGCGG[C>A]GCACGTCTCGGCGCGCTTCCCCTACTCTCCCAGCCCGCCCATGGCCAACGGCGCCGCGCG-3'
Protein context (NP_005248.2, residues 247-267): AGPGGAGSAA[Ala257Glu]HVSARFPYSP